The following is an entry in ClinVar:

ClinVar aggregate classification (germline): Uncertain significance (1 of 4 stars; one submission).

Conditions:
Hereditary cancer-predisposing syndrome. Also called: Neoplastic Syndromes, Hereditary; Tumor predisposition; Hereditary Cancer Syndrome; Hereditary neoplastic syndrome. Identifiers: Orphanet 140162, MedGen C0027672, MeSH D009386, MONDO:0015356.

Submission:

Ambry Genetics
Classification: Uncertain significance for Hereditary cancer-predisposing syndrome. Last evaluated: 2018-11-27. Review status: criteria provided, single submitter. Criteria: Ambry Variant Classification Scheme 2023. Collection method: clinical testing. Allele origin: germline.
Comment: The p.I620M variant (also known as c.1860T>G), located in coding exon 15 of the POT1 gene, results from a T to G substitution at nucleotide position 1860. The isoleucine at codon 620 is replaced by methionine, an amino acid with highly similar properties. This amino acid position is well conserved in available vertebrate species. In addition, this alteration is predicted to be tolerated by in silico analysis. Since supporting evidence is limited at this time, the clinical significance of this alteration remains unclear.

NM_015450.3(POT1):c.1860T>G (p.Ile620Met)

Gene: POT1 (protection of telomeres 1; minus strand). Cytogenetic location: 7q31.33.
Variant type: single nucleotide variant.
Coding change: c.1860T>G on transcript NM_015450.3 (MANE Select); coding-DNA position 1860, T replaced by G.
Protein change: p.Ile620Met; replaces isoleucine 620 with methionine.
Molecular consequence: missense variant. On other transcripts: non-coding transcript variant (3).
Genome position (GRCh38, 1-based): chr7:124,824,007, A>C on the plus strand (T>G on the coding strand, the complement: POT1 is on the minus strand). VCF-style: chr7-124824007-A-C. GRCh37 (hg19) VCF-style: chr7-124464061-A-C.
Other names: c.1467T>G, p.Ile489Met (NM_001042594.2); short protein forms I489M, I620M.
Identifiers: ClinVar variation 820205 (VCV000820205.4), dbSNP rs1584745529, ClinGen allele CA369061144.
Genomic context (GRCh38, chr7:124,824,007, plus strand): 5'-AATTGGATGGCAATATTAGATTACATCTTCTGCAACTGTGGTGTCAAAAATCTGATAGCA[A>C]ATTTGATTATCTGTTCCATTTGTGACATTGTATGACTTGATGAAGCATTCCAACCACGGA-3'
Protein context (NP_056265.2, residues 610-630): YNVTNGTDNQ[Ile620Met]CYQIFDTTVA